The following is an entry in ClinVar:

NM_001308093.3(GATA4):c.889G>A (p.Gly297Ser)

Gene: GATA4 (GATA binding protein 4). Cytogenetic location: 8p23.1.
Variant type: single nucleotide variant.
Coding change: c.889G>A on transcript NM_001308093.3 (MANE Select); coding-DNA position 889, G replaced by A.
Protein change: p.Gly297Ser; replaces glycine 297 with serine.
Molecular consequence: missense variant. On other transcripts: intron variant (1).
Genome position (GRCh38, 1-based): chr8:11,750,213, G>A. VCF-style: chr8-11750213-G-A. GRCh37 (hg19) VCF-style: chr8-11607722-G-A.
Other names: c.268G>A, p.Gly90Ser (NM_001308094.2, NM_001374273.1); c.886G>A, p.Gly296Ser (NM_002052.5); c.165+1128G>A (NM_001374274.1); short protein forms G296S, G297S, G90S.
Identifiers: ClinVar variation 9030 (VCV000009030.7), dbSNP rs104894073, ClinGen allele CA212661.
Genomic context (GRCh38, chr8:11,750,213, plus strand): 5'-ACCACCACCACCACGCTGTGGCGCCGCAATGCGGAGGGCGAGCCTGTGTGCAATGCCTGC[G>A]GCCTCTACATGAAGCTCCACGGGGTACGTGGGTCCTGCGCCCATGCGGCATCCTTGCCTT-3'
Protein context (NP_001295022.1, residues 287-307): AEGEPVCNAC[Gly297Ser]LYMKLHGVPR

ClinVar aggregate classification (germline): Pathogenic/Likely pathogenic. Review status: criteria provided, multiple submitters, no conflicts (2 of 4 stars). 5 submissions from 5 submitters: Pathogenic (3); Likely pathogenic (1). 1 of the submissions does not count toward it. Last evaluated 2025-04-28.

Conditions:
GATA4-related dilated cardiomyopathy.
GATA4-related disorder. Also called: GATA4-related condition. Identifiers: MedGen CN860321.
Transposition of the great arteries. Identifiers: Orphanet 216675, MedGen C0040761, MONDO:0000153, HP:0001669.
Atrioventricular septal defect 4 (AVSD4). Identifiers: MedGen C3280781, MONDO:0013747, OMIM 614430.
Atrial septal defect 2 (ASD2). Identifiers: Orphanet 1478, MedGen C1842778, MONDO:0011938, OMIM 607941.

Submissions (5):

3billion
Classification: Likely pathogenic for GATA4-related dilated cardiomyopathy. Last evaluated: 2025-04-28. Review status: criteria provided, single submitter. Criteria: ACMG Guidelines, 2015. Collection method: clinical testing. Allele origin: germline. Affected: yes.

Labcorp Genetics (formerly Invitae), Labcorp
Classification: Pathogenic for Atrioventricular septal defect 4. Last evaluated: 2024-12-05. Review status: criteria provided, single submitter. Criteria: Invitae Variant Classification Sherloc (09022015). Collection method: clinical testing. Allele origin: germline.
Comment: This sequence change replaces glycine, which is neutral and non-polar, with serine, which is neutral and polar, at codon 296 of the GATA4 protein (p.Gly296Ser). This variant is not present in population databases (gnomAD no frequency). This missense change has been observed in individual(s) with congenital heart defects (PMID: 12845333). It has also been observed to segregate with disease in related individuals. ClinVar contains an entry for this variant (Variation ID: 9030). Invitae Evidence Modeling of protein sequence and biophysical properties (such as structural, functional, and spatial information, amino acid conservation, physicochemical variation, residue mobility, and thermodynamic stability) indicates that this missense variant is expected to disrupt GATA4 protein function with a positive predictive value of 95%. Experimental studies have shown that this missense change affects GATA4 function (PMID: 12845333). For these reasons, this variant has been classified as Pathogenic.

Center for Pediatric Genomic Medicine, Children's Mercy Hospital and Clinics
Classification: Pathogenic for Transposition of the great arteries. Last evaluated: 2020-11-23. Review status: criteria provided, single submitter. Criteria: ACMG Guidelines, 2015. Collection method: clinical testing. Allele origin: germline. Affected: yes.

Blueprint Genetics
Classification: Pathogenic for GATA4-related disorders. Last evaluated: 2019-10-18. Review status: criteria provided, single submitter. Criteria: ACMG Guidelines, 2015. Collection method: clinical testing. Allele origin: germline. Affected: yes. Observed: 1 variant allele.

OMIM
Classification: Pathogenic for ATRIAL SEPTAL DEFECT 2. Last evaluated: 2003-07-24. Review status: no assertion criteria provided. Collection method: literature only. Allele origin: germline. Not counted in ClinVar's aggregate classification.

Literature cited by the submitters: PubMed 12845333 (cited by 3 submitters); PubMed 17643447 (cited by 3billion).